The following is an entry in ClinVar:

NM_152443.3(RDH12):c.869dup (p.Ser291fs)

Genes: RDH12 (retinol dehydrogenase 12; plus strand), ZFYVE26 (zinc finger FYVE-type containing 26; minus strand), GPHN (gephyrin; plus strand). Cytogenetic location: 14q24.1.
Variant type: Duplication.
Coding change: c.869dup on transcript NM_152443.3 (MANE Select); coding-DNA position 869, one base duplicated (T; older notation c.869dupT).
Protein change: p.Ser291fs; shifts the reading frame from serine 291.
Molecular consequence: frameshift variant.
Genome position (GRCh38, 1-based): chr14:67,733,766, T duplicated. VCF-style (leftmost placement, unchanged base first): chr14-67733765-G-GT. GRCh37 (hg19) VCF-style: chr14-68200482-G-GT.
Other names: short protein forms S291fs.
Identifiers: ClinVar variation 936624 (VCV000936624.9), dbSNP rs2038316193, ClinGen allele CA1139663524.

ClinVar aggregate classification (germline): Pathogenic (1 of 4 stars; one submission).

Conditions:
Leber congenital amaurosis 13 (LCA13). Identifiers: MedGen C2675186, MONDO:0012990, OMIM 612712.

Submission:

Labcorp Genetics (formerly Invitae), Labcorp
Classification: Pathogenic for Leber congenital amaurosis 13. Last evaluated: 2019-08-21. Review status: criteria provided, single submitter. Criteria: Invitae Variant Classification Sherloc (09022015). Collection method: clinical testing. Allele origin: germline.
Comment: This variant disrupts the C-terminus of the RDH12 protein. Other variant(s) that disrupt this region (p.Arg295*) have been determined to be pathogenic (PMID: 16269441, 26047050, 22065924). This suggests that variants that disrupt this region of the protein are likely to be causative of disease. For these reasons, this variant has been classified as Pathogenic. This variant has not been reported in the literature in individuals with RDH12-related conditions. This variant is not present in population databases (ExAC no frequency). This sequence change results in a premature translational stop signal in the RDH12 gene (p.Ser291Valfs*7). While this is not anticipated to result in nonsense mediated decay, it is expected to disrupt the last 26 amino acids of the RDH12 protein.

Literature cited by the submitters: PubMed 16269441; PubMed 26047050; PubMed 22065924.